The following is an entry in ClinVar:

NM_001040108.2(MLH3):c.3340G>A (p.Ala1114Thr)

Gene: MLH3 (mutL homolog 3; minus strand). Cytogenetic location: 14q24.3.
Variant type: single nucleotide variant.
Coding change: c.3340G>A on transcript NM_001040108.2 (MANE Select); coding-DNA position 3340, G replaced by A.
Protein change: p.Ala1114Thr; replaces alanine 1114 with threonine.
Molecular consequence: missense variant.
Genome position (GRCh38, 1-based): chr14:75,042,418, C>T on the plus strand (G>A on the coding strand, the complement: MLH3 is on the minus strand). VCF-style: chr14-75042418-C-T. GRCh37 (hg19) VCF-style: chr14-75509121-C-T.
Other names: c.3340G>A, p.Ala1114Thr (NM_014381.3); short protein forms A1114T.
Identifiers: ClinVar variation 2497083 (VCV002497083.3), dbSNP rs2503220364, ClinGen allele CA390431835.

ClinVar aggregate classification (germline): Uncertain significance (1 of 4 stars; one submission).

Submission:

Ambry Genetics
Classification: Uncertain significance. Last evaluated: 2025-03-17. Review status: criteria provided, single submitter. Criteria: Ambry Variant Classification Scheme 2023. Collection method: clinical testing. Allele origin: germline.
Comment: The p.A1114T variant (also known as c.3340G>A), located in coding exon 2 of the MLH3 gene, results from a G to A substitution at nucleotide position 3340. The alanine at codon 1114 is replaced by threonine, an amino acid with similar properties. This amino acid position is conserved. In addition, this alteration is predicted to be tolerated by in silico analysis. Since supporting evidence is limited at this time, the clinical significance of this alteration remains unclear.